The following is an entry in ClinVar:

NM_000051.4(ATM):c.3994-3C>A

Gene: ATM (ATM serine/threonine kinase; plus strand). Cytogenetic location: 11q22.3.
Variant type: single nucleotide variant.
Coding change: c.3994-3C>A on transcript NM_000051.4 (MANE Select); 3 bases into the intron before coding-DNA position 3994, C replaced by A.
Molecular consequence: intron variant.
Genome position (GRCh38, 1-based): chr11:108,287,597, C>A. VCF-style: chr11-108287597-C-A. GRCh37 (hg19) VCF-style: chr11-108158324-C-A.
Other names: c.3994-3C>A (NM_001351834.2).
Identifiers: ClinVar variation 407688 (VCV000407688.4), dbSNP rs1060501681, ClinGen allele CA16613341.

ClinVar aggregate classification (germline): Uncertain significance (1 of 4 stars; one submission).

Conditions:
Ataxia-telangiectasia syndrome (AT). Also called: Ataxia telangiectasia (A-T); LOUIS-BAR SYNDROME; Cerebello-oculocutaneous telangiectasia; Immunodeficiency with ataxia telangiectasia; Ataxia-telangiectasia, complementation group D; AT, COMPLEMENTATION GROUP C. Identifiers: Orphanet 100, MedGen C0004135, MONDO:0008840, OMIM 208900.

Submission:

Labcorp Genetics (formerly Invitae), Labcorp
Classification: Uncertain significance for Ataxia-telangiectasia syndrome. Last evaluated: 2016-11-28. Review status: criteria provided, single submitter. Criteria: Invitae Variant Classification Sherloc (09022015). Collection method: clinical testing. Allele origin: germline.
Comment: This sequence change falls in intron 26 of the ATM gene. It does not directly change the encoded amino acid sequence of the ATM protein. This variant is not present in population databases (ExAC no frequency) and has not been reported in the literature in individuals with an ATM-related disease. Algorithms developed to predict the effect of nucleotide changes on RNA splicing suggest that this intronic variant may alter RNA splicing, but this prediction has not been confirmed by published transcriptional studies. In summary, this is a novel intronic change with uncertain impact on splicing. It has been classified as a Variant of Uncertain Significance.